The following is an entry in ClinVar:

ClinVar aggregate classification (germline): Uncertain significance (1 of 4 stars; one submission).

Conditions:
Desmin-related myofibrillar myopathy (MFM1). Also called: Desminopathy; Desmin related myopathy (former name); Desmin storage myopathy (former name); MYOFIBRILLAR MYOPATHY WITH ARRHYTHMOGENIC RIGHT VENTRICULAR CARDIOMYOPATHY; DESMIN-RELATED MYOPATHY WITH ARRHYTHMOGENIC RIGHT VENTRICULAR CARDIOMYOPATHY; Myofibrillar myopathy 1. Identifiers: Orphanet 363543, Orphanet 98909, MedGen C1832370, MONDO:0011076, OMIM 601419.

Submission:

Labcorp Genetics (formerly Invitae), Labcorp
Classification: Uncertain significance for Desmin-related myofibrillar myopathy. Last evaluated: 2024-12-10. Review status: criteria provided, single submitter. Criteria: Invitae Variant Classification Sherloc (09022015). Collection method: clinical testing. Allele origin: germline.
Comment: This sequence change replaces leucine, which is neutral and non-polar, with arginine, which is basic and polar, at codon 392 of the DES protein (p.Leu392Arg). This sequence change replaces leucine, which is neutral and non-polar, with arginine, which is basic and polar, at codon 392 of the DES protein (p.Leu392Arg). This variant is not present in population databases (gnomAD no frequency). This variant is not present in population databases (gnomAD no frequency). This variant has not been reported in the literature in individuals affected with DES-related conditions. This variant has not been reported in the literature in individuals affected with DES-related conditions. Invitae Evidence Modeling of protein sequence and biophysical properties (such as structural, functional, and spatial information, amino acid conservation, physicochemical variation, residue mobility, and thermodynamic stability) indicates that this missense variant is expected to disrupt DES protein function with a positive predictive value of 95%. Invitae Evidence Modeling of protein sequence and biophysical properties (such as structural, functional, and spatial information, amino acid conservation, physicochemical variation, residue mobility, and thermodynamic stability) indicates that this missense variant is expected to disrupt DES protein function with a positive predictive value of 95%. In summary, the available evidence is currently insufficient to determine the role of this variant in disease. Therefore, it has been classified as a Variant of Uncertain Significance. In summary, the available evidence is currently insufficient to determine the role of this variant in disease. Therefore, it has been classified as a Variant of Uncertain Significance.

NM_001927.4(DES):c.1175T>G (p.Leu392Arg)

Gene: DES (desmin; plus strand). Cytogenetic location: 2q35.
Variant type: single nucleotide variant.
Coding change: c.1175T>G on transcript NM_001927.4 (MANE Select); coding-DNA position 1175, T replaced by G.
Protein change: p.Leu392Arg; replaces leucine 392 with arginine.
Molecular consequence: missense variant.
Genome position (GRCh38, 1-based): chr2:219,421,491, T>G. VCF-style: chr2-219421491-T-G. GRCh37 (hg19) VCF-style: chr2-220286213-T-G.
Other names: c.1172T>G, p.Leu391Arg (NM_001382708.1); c.743T>G, p.Leu248Arg (NM_001382709.1); c.1106T>G, p.Leu369Arg (NM_001382710.1); c.1154T>G, p.Leu385Arg (NM_001382711.1); c.1175T>G, p.Leu392Arg (NM_001382712.1); c.905T>G, p.Leu302Arg (NM_001382713.1); short protein forms L248R, L302R, L369R, L385R, L391R, L392R.
Identifiers: ClinVar variation 3759167 (VCV003759167.2).